The following is an entry in ClinVar:

ClinVar aggregate classification (germline): Conflicting classifications of pathogenicity. Review status: criteria provided, conflicting classifications (1 of 4 stars). 3 submissions from 3 submitters: Uncertain significance (2); Benign (1). Last evaluated 2025-05-28.

Conditions:
Ehlers-Danlos syndrome, classic type, 1 (EDSCL1). Also called: EHLERS-DANLOS SYNDROME, GRAVIS TYPE; EHLERS-DANLOS SYNDROME, SEVERE CLASSIC TYPE; Ehlers-Danlos syndrome, type 1; EDS I; Ehlers-Danlos Syndrome, Classic Type, COL5A1-Related. Identifiers: MedGen C0268335, MONDO:0019567, OMIM 130000.
COL5A2-related disorder. Also called: COL5A2-related condition.

Allele frequency attached by ClinVar (database versions not stated): 1000 Genomes Project 30x 0.00031; 1000 Genomes Project 0.00040; gnomAD exomes 0.00004; ExAC 0.00007.
gnomAD v4.1: 30 of 1,614,156 alleles (0.0019%); highest among the groups gnomAD compares: East Asian, 0.049%; no homozygotes.

Submissions (3):

Labcorp Genetics (formerly Invitae), Labcorp
Classification: Benign for Ehlers-Danlos syndrome, classic type, 1. Last evaluated: 2025-05-28. Review status: criteria provided, single submitter. Criteria: Invitae Variant Classification Sherloc (09022015). Collection method: clinical testing. Allele origin: germline.

GeneDx
Classification: Uncertain significance. Last evaluated: 2023-03-16. Review status: criteria provided, single submitter. Criteria: GeneDx Variant Classification Process June 2021. Collection method: clinical testing. Allele origin: germline. Affected: yes.
Comment: Has not been previously published as pathogenic or benign to our knowledge; Not located in the triple helical region, where the majority of pathogenic missense variants occur (Symoens et al., 2012; HGMD); In silico analysis supports that this missense variant does not alter protein structure/function

PreventionGenetics, part of Exact Sciences
Classification: Uncertain significance for COL5A2-related condition. Last evaluated: 2023-02-17. Review status: criteria provided, single submitter. Criteria: ACMG Guidelines, 2015. Collection method: clinical testing. Allele origin: germline.
Comment: The COL5A2 c.233A>T variant is predicted to result in the amino acid substitution p.Asp78Val. To our knowledge, this variant has not been reported in the literature. This variant is reported in 0.060% of alleles in individuals of East Asian descent in gnomAD. At this time, the clinical significance of this variant is uncertain due to the absence of conclusive functional and genetic evidence.

NM_000393.5(COL5A2):c.233A>T (p.Asp78Val)

Gene: COL5A2 (collagen type V alpha 2 chain; minus strand). Cytogenetic location: 2q32.2.
Variant type: single nucleotide variant.
Coding change: c.233A>T on transcript NM_000393.5 (MANE Select); coding-DNA position 233, A replaced by T.
Protein change: p.Asp78Val; replaces aspartic acid 78 with valine.
Molecular consequence: missense variant.
Genome position (GRCh38, 1-based): chr2:189,110,314, T>A on the plus strand (A>T on the coding strand, the complement: COL5A2 is on the minus strand). VCF-style: chr2-189110314-T-A. GRCh37 (hg19) VCF-style: chr2-189975040-T-A.
Other names: c.233A>T (NM_000393.4); short protein forms D78V.
Identifiers: ClinVar variation 1309117 (VCV001309117.8), dbSNP rs201022138, ClinGen allele CA2023173.